The following is an entry in ClinVar:

NM_001308210.2(TSHZ1):c.858G>A (p.Trp286Ter)

Gene: TSHZ1 (teashirt zinc finger homeobox 1; plus strand). Cytogenetic location: 18q22.3.
Variant type: single nucleotide variant.
Coding change: c.858G>A on transcript NM_001308210.2 (MANE Select); coding-DNA position 858, G replaced by A.
Protein change: p.Trp286Ter; replaces tryptophan 286 with a stop codon.
Molecular consequence: nonsense.
Genome position (GRCh38, 1-based): chr18:75,286,265, G>A. VCF-style: chr18-75286265-G-A. GRCh37 (hg19) VCF-style: chr18-72998220-G-A.
Other names: c.723G>A, p.Trp241Ter (NM_005786.6); short protein forms W241*, W286*.
Identifiers: ClinVar variation 31186 (VCV000031186.3), dbSNP rs730882070, ClinGen allele CA129737.

ClinVar aggregate classification (germline): no classifications from unflagged records (0 of 4 stars; one submission).

Conditions:
Aural atresia, congenital (CAA). Also called: AURAL ATRESIA, CONGENITAL, WITH HYPOSMIA. Identifiers: MedGen C1842937, MONDO:0011921, OMIM 607842.

Submission:

OMIM
Classification: Pathogenic for AURAL ATRESIA, CONGENITAL. Last evaluated: 2014-03-01. Review status: flagged submission. Collection method: literature only. Allele origin: germline.
ClinVar note: Notes: Flagging candidate with reason of insufficient supporting evidence. This gene has been classified as having a limited gene-disease relationship by a ClinGen Expert Panel
ClinVar note: Reason: P/LP classification for a variant in a gene with insufficient evidence for a gene-disease relationship

Literature cited by the submitters: PubMed 22152683; PubMed 24487590.